The following is an entry in ClinVar:

ClinVar aggregate classification (germline): Uncertain significance (1 of 4 stars; one submission).

Conditions:
Muscular dystrophy-dystroglycanopathy (congenital with impaired intellectual development), type B, 3. Also called: MUSCULAR DYSTROPHY, CONGENITAL, POMGNT1-RELATED; Muscular dystrophy-dystroglycanopathy (congenital with intellectual disability), type B3. Identifiers: MedGen C3150412, MONDO:0013155, OMIM 613151.

Submission:

Neuberg Centre For Genomic Medicine, NCGM
Classification: Uncertain significance for Muscular dystrophy-dystroglycanopathy (congenital with impaired intellectual development), type B, 3. Last evaluated: 2023-06-22. Review status: criteria provided, single submitter. Criteria: ACMG Guidelines, 2015. Collection method: clinical testing. Allele origin: germline. Inheritance: Autosomal recessive inheritance. Affected: yes.
Comment: The observed missense c.1607T>Cp.Leu536Pro variant in POMGNT1 gene has not been reported previously as a pathogenic variant nor as a benign variant, to our knowledge. This variant is absent in gnomAD Exomes. The amino acid Leu at position 536 is changed to a Pro changing protein sequence and it might alter its composition and physico-chemical properties. The amino acid change p.Leu536Pro in POMGNT1 is predicted as conserved by GERP++ and PhyloP across 100 vertebrates. Multiple lines of computational evidence Polyphen - Damaging, and MutationTaster - Disease causing predict a damaging effect on protein structure and function for this variant. For these reasons, this variant has been classified as Uncertain Significance.

NM_017739.4(POMGNT1):c.1607T>C (p.Leu536Pro)

Genes: POMGNT1 (protein O-linked mannose N-acetylglucosaminyltransferase 1 (beta 1,2-); minus strand), TSPAN1 (tetraspanin 1; plus strand). Cytogenetic location: 1p34.1.
Variant type: single nucleotide variant.
Coding change: c.1607T>C on transcript NM_017739.4 (MANE Select); coding-DNA position 1607, T replaced by C.
Protein change: p.Leu536Pro; replaces leucine 536 with proline.
Molecular consequence: missense variant.
Genome position (GRCh38, 1-based): chr1:46,190,515, A>G on the plus strand (T>C on the coding strand, the complement: POMGNT1 is on the minus strand). VCF-style: chr1-46190515-A-G. GRCh37 (hg19) VCF-style: chr1-46656187-A-G.
Other names: c.1607T>C, p.Leu536Pro (NM_001243766.2, NM_001410783.1); c.1541T>C, p.Leu514Pro (NM_001290129.3); c.1178T>C, p.Leu393Pro (NM_001290130.2); short protein forms L393P, L514P, L536P.
Identifiers: ClinVar variation 3391187 (VCV003391187.1).